The following is an entry in ClinVar:

NM_001366145.2(TRPM3):c.2005C>A (p.Gln669Lys)

Gene: TRPM3 (transient receptor potential cation channel subfamily M member 3; minus strand). Cytogenetic location: 9q21.12.
Variant type: single nucleotide variant.
Coding change: c.2005C>A on transcript NM_001366145.2 (MANE Select); coding-DNA position 2005, C replaced by A.
Protein change: p.Gln669Lys; replaces glutamine 669 with lysine.
Molecular consequence: missense variant.
Genome position (GRCh38, 1-based): chr9:70,620,200, G>T on the plus strand (C>A on the coding strand, the complement: TRPM3 is on the minus strand). VCF-style: chr9-70620200-G-T. GRCh37 (hg19) VCF-style: chr9-73235116-G-T.
Other names: c.1969C>A, p.Gln657Lys (NM_001007471.4, NM_001366151.2); c.1975C>A, p.Gln659Lys (NM_001366141.2, NM_001366143.2, NM_001366149.2); c.2011C>A, p.Gln671Lys (NM_001366142.2); c.2005C>A, p.Gln669Lys (NM_001366146.2); c.2080C>A, p.Gln694Lys (NM_001366147.2, NM_001366152.2); c.2050C>A, p.Gln684Lys (NM_001366148.2); c.1939C>A, p.Gln647Lys (NM_001366150.2); c.1546C>A, p.Gln516Lys (NM_001366154.2, NM_024971.7); and 5 more; short protein forms Q494K, Q504K, Q506K, Q516K, Q519K, Q529K, Q647K, Q657K.
Identifiers: ClinVar variation 4819973 (VCV004819973.1).

ClinVar aggregate classification (germline): Likely benign (1 of 4 stars; one submission).

Conditions:
Neurodevelopmental disorder with hypotonia, dysmorphic facies, and skeletal anomalies, with or without seizures (NEDFSS). Also called: TRPM3-Related Neurodevelopmental Disorder. Identifiers: MedGen C5830244, MONDO:0859365, OMIM 620224.

Submission:

Centre for Medical Genetics,  Mumbai
Classification: Likely benign for Neurodevelopmental disorder with hypotonia, dysmorphic facies, and skeletal anomalies, with or without seizures. Last evaluated: 2026-03-11. Review status: criteria provided, single submitter. Criteria: ACMG Guidelines, 2015. Collection method: provider interpretation. Allele origin: germline. Inheritance: Autosomal dominant inheritance. Affected: no. Observed: 1 variant allele, 1 heterozygote.
Comment: The variant satisfies PM2 criteria; Extremely low frequency in gnomAD population databases. The variant satisfies PP2 criteria; Missense variant in a gene with low rate of benign missense mutations and for which missense mutation is a common mechanism of a disease. However, the variant satisfies BS2 criteria.

Literature cited by the submitters: PubMed 31278393.